The following is an entry in ClinVar:

ClinVar aggregate classification (germline): Uncertain significance (1 of 4 stars; one submission).

Submission:

Labcorp Genetics (formerly Invitae), Labcorp
Classification: Uncertain significance. Last evaluated: 2023-11-02. Review status: criteria provided, single submitter. Criteria: Invitae Variant Classification Sherloc (09022015). Collection method: clinical testing. Allele origin: germline.
Comment: This sequence change replaces glutamine, which is neutral and polar, with lysine, which is basic and polar, at codon 130 of the ARHGDIA protein (p.Gln130Lys). This variant is not present in population databases (gnomAD no frequency). This variant has not been reported in the literature in individuals affected with ARHGDIA-related conditions. An algorithm developed to predict the effect of missense changes on protein structure and function (PolyPhen-2) suggests that this variant is likely to be disruptive. In summary, the available evidence is currently insufficient to determine the role of this variant in disease. Therefore, it has been classified as a Variant of Uncertain Significance.

NM_004309.6(ARHGDIA):c.388C>A (p.Gln130Lys)

Gene: ARHGDIA (Rho GDP dissociation inhibitor alpha; minus strand). Cytogenetic location: 17q25.3.
Variant type: single nucleotide variant.
Coding change: c.388C>A on transcript NM_004309.6 (MANE Select); coding-DNA position 388, C replaced by A.
Protein change: p.Gln130Lys; replaces glutamine 130 with lysine.
Molecular consequence: missense variant. On other transcripts: non-coding transcript variant (1).
Genome position (GRCh38, 1-based): chr17:81,869,200, G>T on the plus strand (C>A on the coding strand, the complement: ARHGDIA is on the minus strand). VCF-style: chr17-81869200-G-T. GRCh37 (hg19) VCF-style: chr17-79827076-G-T.
Other names: c.388C>A, p.Gln130Lys (NM_001185077.3, NM_001185078.3, NM_001301240.2 and 2 more transcripts); c.523C>A, p.Gln175Lys (NM_001301243.2); short protein forms Q175K, Q130K.
Identifiers: ClinVar variation 2876225 (VCV002876225.3), dbSNP rs2509973929, ClinGen allele CA401524353.